The following is an entry in ClinVar:

ClinVar aggregate classification (germline): Uncertain significance (1 of 4 stars; one submission).

Allele frequency attached by ClinVar (database versions not stated): ExAC 0.00001; gnomAD exomes below 0.00001.
gnomAD v4.1: 1 of 1,613,188 alleles (0.000062%); highest among the groups gnomAD compares: Admixed American, 0.0017%; no homozygotes.

Submission:

Labcorp Genetics (formerly Invitae), Labcorp
Classification: Uncertain significance. Last evaluated: 2025-09-02. Review status: criteria provided, single submitter. Criteria: Invitae Variant Classification Sherloc (09022015). Collection method: clinical testing. Allele origin: germline.
Comment: This sequence change replaces arginine, which is basic and polar, with threonine, which is neutral and polar, at codon 1495 of the ABCC6 protein (p.Arg1495Thr). This variant is present in population databases (rs756250178, gnomAD 0.003%). This variant has not been reported in the literature in individuals affected with ABCC6-related conditions. ClinVar contains an entry for this variant (Variation ID: 2823668). Invitae Evidence Modeling of protein sequence and biophysical properties (such as structural, functional, and spatial information, amino acid conservation, physicochemical variation, residue mobility, and thermodynamic stability) has been performed for this missense variant. However, the output from this modeling did not meet the statistical confidence thresholds required to predict the impact of this variant on ABCC6 protein function. In summary, the available evidence is currently insufficient to determine the role of this variant in disease. Therefore, it has been classified as a Variant of Uncertain Significance.

NM_001171.6(ABCC6):c.4484G>C (p.Arg1495Thr)

Gene: ABCC6 (ATP binding cassette subfamily C member 6; minus strand). Cytogenetic location: 16p13.11.
Variant type: single nucleotide variant.
Coding change: c.4484G>C on transcript NM_001171.6 (MANE Select); coding-DNA position 4484, G replaced by C.
Protein change: p.Arg1495Thr; replaces arginine 1495 with threonine.
Molecular consequence: missense variant. On other transcripts: non-coding transcript variant (1).
Genome position (GRCh38, 1-based): chr16:16,150,161, C>G on the plus strand (G>C on the coding strand, the complement: ABCC6 is on the minus strand). VCF-style: chr16-16150161-C-G. GRCh37 (hg19) VCF-style: chr16-16244018-C-G.
Other names: c.4142G>C, p.Arg1381Thr (NM_001351800.1); short protein forms R1381T, R1495T.
Identifiers: ClinVar variation 2823668 (VCV002823668.3), dbSNP rs756250178, ClinGen allele CA7925152.